The following is an entry in ClinVar:

ClinVar aggregate classification (germline): Uncertain significance. Review status: criteria provided, multiple submitters, no conflicts (2 of 4 stars). 4 submissions from 4 submitters: Uncertain significance (4). Last evaluated 2026-07-02.

Conditions:
Hereditary cancer-predisposing syndrome. Also called: Hereditary neoplastic syndrome; Neoplastic Syndromes, Hereditary; Tumor predisposition; Hereditary Cancer Syndrome. Identifiers: Orphanet 140162, MedGen C0027672, MeSH D009386, MONDO:0015356.
Juvenile polyposis syndrome (JPS). Identifiers: Orphanet 2929, MedGen C0345893, MONDO:0017380, OMIM 174900.

Submissions (4):

Ambry Genetics
Classification: Uncertain significance for Hereditary cancer-predisposing syndrome. Last evaluated: 2026-07-02. Review status: criteria provided, single submitter. Criteria: Ambry Variant Classification Scheme 2023. Collection method: clinical testing. Allele origin: germline.
Comment: The p.P201L variant (also known as c.602C>T), located in coding exon 6 of the BMPR1A gene, results from a C to T substitution at nucleotide position 602. The proline at codon 201 is replaced by leucine, an amino acid with similar properties. This amino acid position is conserved. In addition, this alteration is predicted to be tolerated by in silico analysis. Based on the available evidence, the clinical significance of this variant remains unclear.

Color Diagnostics, LLC DBA Color Health
Classification: Uncertain significance for Hereditary cancer-predisposing syndrome. Last evaluated: 2025-04-20. Review status: criteria provided, single submitter. Criteria: ACMG Guidelines, 2015. Collection method: clinical testing. Allele origin: germline.
Comment: This missense variant replaces proline with leucine at codon 201 of the BMPR1A protein. Computational prediction suggests that this variant may not impact protein structure and function. To our knowledge, functional studies have not been reported for this variant. This variant has not been reported in individuals affected with BMPR1A-related disorders in the literature. This variant has not been identified in the general population by the Genome Aggregation Database (gnomAD). The available evidence is insufficient to determine the role of this variant in disease conclusively. Therefore, this variant is classified as a Variant of Uncertain Significance.

Blueprint Genetics
Classification: Uncertain significance. Last evaluated: 2022-06-09. Review status: criteria provided, single submitter. Criteria: ACMG Guidelines, 2015. Collection method: clinical testing. Allele origin: germline.

Labcorp Genetics (formerly Invitae), Labcorp
Classification: Uncertain significance for Juvenile polyposis syndrome. Last evaluated: 2022-04-08. Review status: criteria provided, single submitter. Criteria: Invitae Variant Classification Sherloc (09022015). Collection method: clinical testing. Allele origin: germline.
Comment: In summary, the available evidence is currently insufficient to determine the role of this variant in disease. Therefore, it has been classified as a Variant of Uncertain Significance. Advanced modeling of protein sequence and biophysical properties (such as structural, functional, and spatial information, amino acid conservation, physicochemical variation, residue mobility, and thermodynamic stability) performed at Invitae indicates that this missense variant is not expected to disrupt BMPR1A protein function. This variant has not been reported in the literature in individuals affected with BMPR1A-related conditions. This variant is not present in population databases (gnomAD no frequency). This sequence change replaces proline, which is neutral and non-polar, with leucine, which is neutral and non-polar, at codon 201 of the BMPR1A protein (p.Pro201Leu).

NM_004329.3(BMPR1A):c.602C>T (p.Pro201Leu)

Gene: BMPR1A (bone morphogenetic protein receptor type 1A; plus strand). Cytogenetic location: 10q23.2.
Variant type: single nucleotide variant.
Coding change: c.602C>T on transcript NM_004329.3 (MANE Select); coding-DNA position 602, C replaced by T.
Protein change: p.Pro201Leu; replaces proline 201 with leucine.
Molecular consequence: missense variant.
Genome position (GRCh38, 1-based): chr10:86,912,311, C>T. VCF-style: chr10-86912311-C-T. GRCh37 (hg19) VCF-style: chr10-88672068-C-T.
Other names: c.677C>T, p.Pro226Leu (NM_001406559.1); c.650C>T, p.Pro217Leu (NM_001406560.1); c.602C>T, p.Pro201Leu (NM_001406561.1, NM_001406562.1, NM_001406563.1 and 20 more transcripts); c.518C>T, p.Pro173Leu (NM_001406584.1, NM_001406585.1, NM_001406586.1 and 2 more transcripts); short protein forms P226L, P173L, P201L, P217L.
Identifiers: ClinVar variation 1979600 (VCV001979600.6), dbSNP rs2539573227, ClinGen allele CA377454708.